The following is an entry in ClinVar:

ClinVar aggregate classification (germline): Uncertain significance. Review status: criteria provided, multiple submitters, no conflicts (2 of 4 stars). 2 submissions from 2 submitters: Uncertain significance (2). Last evaluated 2026-04-10.

Conditions:
CCDC141-related disorder. Also called: CCDC141-related condition.

gnomAD v4.1: 23 of 1,550,424 alleles (0.0015%); highest among the groups gnomAD compares: Admixed American, 0.02%; no homozygotes.

Submissions (2):

PreventionGenetics, part of Exact Sciences
Classification: Uncertain significance for CCDC141-related condition. Last evaluated: 2026-04-10. Review status: criteria provided, single submitter. Criteria: ACMG Guidelines, 2015. Collection method: clinical testing. Allele origin: germline.
Comment: The CCDC141 c.1051T>A variant is predicted to result in the amino acid substitution p.Trp351Arg. To our knowledge, this variant has not been reported in the literature. This variant is reported in 0.031% of alleles in individuals of Latino descent in gnomAD. At this time, the clinical significance of this variant is uncertain due to the absence of conclusive functional and genetic evidence.

Labcorp Genetics (formerly Invitae), Labcorp
Classification: Uncertain significance. Last evaluated: 2024-10-30. Review status: criteria provided, single submitter. Criteria: Invitae Variant Classification Sherloc (09022015). Collection method: clinical testing. Allele origin: germline.
Comment: This sequence change replaces tryptophan, which is neutral and slightly polar, with arginine, which is basic and polar, at codon 351 of the CCDC141 protein (p.Trp351Arg). This variant is present in population databases (no rsID available, gnomAD 0.03%). This variant has not been reported in the literature in individuals affected with CCDC141-related conditions. ClinVar contains an entry for this variant (Variation ID: 2901283). An algorithm developed to predict the effect of missense changes on protein structure and function (PolyPhen-2) suggests that this variant is likely to be disruptive. In summary, the available evidence is currently insufficient to determine the role of this variant in disease. Therefore, it has been classified as a Variant of Uncertain Significance.

NM_173648.4(CCDC141):c.1051T>A (p.Trp351Arg)

Gene: CCDC141 (coiled-coil domain containing 141; minus strand). Cytogenetic location: 2q31.2.
Variant type: single nucleotide variant.
Coding change: c.1051T>A on transcript NM_173648.4 (MANE Select); coding-DNA position 1051, T replaced by A.
Protein change: p.Trp351Arg; replaces tryptophan 351 with arginine.
Molecular consequence: missense variant.
Genome position (GRCh38, 1-based): chr2:178,918,754, A>T on the plus strand (T>A on the coding strand, the complement: CCDC141 is on the minus strand). VCF-style: chr2-178918754-A-T. GRCh37 (hg19) VCF-style: chr2-179783481-A-T.
Other names: c.1051T>A (NM_173648.3); c.1051T>A, p.Trp351Arg (NM_001316745.2); short protein forms W351R.
Identifiers: ClinVar variation 2901283 (VCV002901283.4), dbSNP rs918788929, ClinGen allele CA61476698.